The following is an entry in ClinVar:

NM_001160372.4(TRAPPC9):c.150G>C (p.Gln50His)

Gene: TRAPPC9 (trafficking protein particle complex subunit 9; minus strand). Cytogenetic location: 8q24.3.
Variant type: single nucleotide variant.
Coding change: c.150G>C on transcript NM_001160372.4 (MANE Select); coding-DNA position 150, G replaced by C.
Protein change: p.Gln50His; replaces glutamine 50 with histidine.
Molecular consequence: missense variant. On other transcripts: non-coding transcript variant (1).
Genome position (GRCh38, 1-based): chr8:140,451,224, C>G on the plus strand (G>C on the coding strand, the complement: TRAPPC9 is on the minus strand). VCF-style: chr8-140451224-C-G. GRCh37 (hg19) VCF-style: chr8-141461323-C-G.
Other names: c.150G>C, p.Gln50His (NM_001321646.2, NM_001374682.1, NM_001374683.1 and 2 more transcripts); short protein forms Q50H.
Identifiers: ClinVar variation 2117537 (VCV002117537.4), dbSNP rs761740820, ClinGen allele CA372319165.

ClinVar aggregate classification (germline): Uncertain significance (1 of 4 stars; one submission).

Submission:

Labcorp Genetics (formerly Invitae), Labcorp
Classification: Uncertain significance. Last evaluated: 2022-07-13. Review status: criteria provided, single submitter. Criteria: Invitae Variant Classification Sherloc (09022015). Collection method: clinical testing. Allele origin: germline.
Comment: This variant is not present in population databases (gnomAD no frequency). In summary, the available evidence is currently insufficient to determine the role of this variant in disease. Therefore, it has been classified as a Variant of Uncertain Significance. Algorithms developed to predict the effect of missense changes on protein structure and function are either unavailable or do not agree on the potential impact of this missense change (SIFT: "Not Available"; PolyPhen-2: "Probably Damaging"; Align-GVGD: "Not Available"). This variant has not been reported in the literature in individuals affected with TRAPPC9-related conditions. This sequence change replaces glutamine, which is neutral and polar, with histidine, which is basic and polar, at codon 148 of the TRAPPC9 protein (p.Gln148His).